The following is an entry in ClinVar:

NM_001039141.3(TRIOBP):c.4614dup (p.Trp1539fs)

Gene: TRIOBP (TRIO and F-actin binding protein; plus strand). Cytogenetic location: 22q13.1.
Variant type: Duplication.
Coding change: c.4614dup on transcript NM_001039141.3 (MANE Select); coding-DNA position 4614, one base duplicated (C; older notation c.4614dupC).
Protein change: p.Trp1539fs; shifts the reading frame from tryptophan 1539.
Molecular consequence: frameshift variant.
Genome position (GRCh38, 1-based): chr22:37,734,950, C duplicated. VCF-style (leftmost placement, unchanged base first): chr22-37734949-G-GC. GRCh37 (hg19) VCF-style: chr22-38130956-G-GC.
Other names: short protein forms W1539fs.
Identifiers: ClinVar variation 4713448 (VCV004713448.1).
Genomic context (GRCh38, chr22:37,734,949, plus strand): 5'-ACTGGGGAGGCCCCGCAGAGTCCTCACAATCCTGGCACTCTGGGACACCCACTGCTGTGG[G>GC]CTGGGGGGCAGAGGGAGCGTGTCCATACCCGCGTGGCTCTGAGAGGCGACCCGAGCTTGA-3'

ClinVar aggregate classification (germline): Pathogenic (1 of 4 stars; one submission).

Submission:

Labcorp Genetics (formerly Invitae), Labcorp
Classification: Pathogenic. Last evaluated: 2025-10-01. Review status: criteria provided, single submitter. Criteria: Invitae Variant Classification Sherloc (09022015). Collection method: clinical testing. Allele origin: germline.
Comment: This sequence change creates a premature translational stop signal (p.Trp1539Leufs*14) in the TRIOBP gene. It is expected to result in an absent or disrupted protein product. Loss-of-function variants in TRIOBP are known to be pathogenic (PMID: 16385457, 16385458, 20510926). This variant is not present in population databases (gnomAD no frequency). This variant has not been reported in the literature in individuals affected with TRIOBP-related conditions. For these reasons, this variant has been classified as Pathogenic.

Literature cited by the submitters: PubMed 16385457; PubMed 16385458; PubMed 20510926.